The following is an entry in ClinVar:

ClinVar aggregate classification (germline): Uncertain significance (1 of 4 stars; one submission).

Conditions:
Chédiak-Higashi syndrome (CHS). Also called: Chediak-Higashi Syndrome. Identifiers: Orphanet 167, MedGen C0007965, MONDO:0008963, OMIM 214500.

Submission:

Labcorp Genetics (formerly Invitae), Labcorp
Classification: Uncertain significance for Chédiak-Higashi syndrome. Last evaluated: 2020-03-18. Review status: criteria provided, single submitter. Criteria: Invitae Variant Classification Sherloc (09022015). Collection method: clinical testing. Allele origin: germline.
Comment: Algorithms developed to predict the effect of missense changes on protein structure and function are either unavailable or do not agree on the potential impact of this missense change (SIFT: "Deleterious"; PolyPhen-2: "Possibly Damaging"; Align-GVGD: "Class C0"). In summary, the available evidence is currently insufficient to determine the role of this variant in disease. Therefore, it has been classified as a Variant of Uncertain Significance. This variant has not been reported in the literature in individuals with LYST-related conditions. This variant is not present in population databases (ExAC no frequency). This sequence change replaces leucine with glutamine at codon 1805 of the LYST protein (p.Leu1805Gln). The leucine residue is highly conserved and there is a moderate physicochemical difference between leucine and glutamine.

NM_000081.4(LYST):c.5414T>A (p.Leu1805Gln)

Gene: LYST (lysosomal trafficking regulator; minus strand). Cytogenetic location: 1q42.3.
Variant type: single nucleotide variant.
Coding change: c.5414T>A on transcript NM_000081.4 (MANE Select); coding-DNA position 5414, T replaced by A.
Protein change: p.Leu1805Gln; replaces leucine 1805 with glutamine.
Molecular consequence: missense variant.
Genome position (GRCh38, 1-based): chr1:235,777,109, A>T on the plus strand (T>A on the coding strand, the complement: LYST is on the minus strand). VCF-style: chr1-235777109-A-T. GRCh37 (hg19) VCF-style: chr1-235940409-A-T.
Other names: c.5414T>A, p.Leu1805Gln (NM_001301365.1); short protein forms L1805Q.
Identifiers: ClinVar variation 1058592 (VCV001058592.8), dbSNP rs2527993028, ClinGen allele CA344952723.
Genomic context (GRCh38, chr1:235,777,109, plus strand): 5'-GCAGTGATTCTTACCCTGGCAAAGAGAAAAACAAATATGCCAGTTCCACCAATTTCGTGC[A>T]GAATGCCTTGAATAGTTTTATATTCAGTAGGTTGGAGATTCTTTAGATGATGAGGTTCTA-3'
Protein context (NP_000072.2, residues 1795-1815): PTEYKTIQGI[Leu1805Gln]HEIGGTGIFV